The following is an entry in ClinVar:

NM_004963.4(GUCY2C):c.2581G>A (p.Asp861Asn)

Gene: GUCY2C (guanylate cyclase 2C; minus strand). Cytogenetic location: 12p12.3.
Variant type: single nucleotide variant.
Coding change: c.2581G>A on transcript NM_004963.4 (MANE Select); coding-DNA position 2581, G replaced by A.
Protein change: p.Asp861Asn; replaces aspartic acid 861 with asparagine.
Molecular consequence: missense variant.
Genome position (GRCh38, 1-based): chr12:14,622,025, C>T on the plus strand (G>A on the coding strand, the complement: GUCY2C is on the minus strand). VCF-style: chr12-14622025-C-T. GRCh37 (hg19) VCF-style: chr12-14774959-C-T.
Other names: short protein forms D861N.
Identifiers: ClinVar variation 2130811 (VCV002130811.4), dbSNP rs755853968, ClinGen allele CA6463045.
Genomic context (GRCh38, chr12:14,622,025, plus strand): 5'-GTACAATTAATGGTTTCAGCCTGTTAGGTGATGTGGTTACCTTGTAGACATCATGATGAT[C>T]AACAATGTGGTCAAAACTCTTATAGATGTCATTAAGCATGTCCACCACTTCCATGGGGGT-3'
Protein context (NP_004954.2, residues 851-871): DIYKSFDHIV[Asp861Asn]HHDVYKVETI

ClinVar aggregate classification (germline): Uncertain significance (1 of 4 stars; one submission).

Allele frequency attached by ClinVar (database versions not stated): TOPMed below 0.00001; gnomAD 0.00001; ExAC 0.00002.
gnomAD v4.1: 18 of 1,604,124 alleles (0.0011%); highest among the groups gnomAD compares: South Asian, 0.019%; no homozygotes.

Submission:

Labcorp Genetics (formerly Invitae), Labcorp
Classification: Uncertain significance. Last evaluated: 2022-09-02. Review status: criteria provided, single submitter. Criteria: Invitae Variant Classification Sherloc (09022015). Collection method: clinical testing. Allele origin: germline.
Comment: This sequence change replaces aspartic acid, which is acidic and polar, with asparagine, which is neutral and polar, at codon 861 of the GUCY2C protein (p.Asp861Asn). This variant is present in population databases (rs755853968, gnomAD 0.02%). This variant has not been reported in the literature in individuals affected with GUCY2C-related conditions. Algorithms developed to predict the effect of missense changes on protein structure and function are either unavailable or do not agree on the potential impact of this missense change (SIFT: "Deleterious"; PolyPhen-2: "Probably Damaging"; Align-GVGD: "Class C0"). In summary, the available evidence is currently insufficient to determine the role of this variant in disease. Therefore, it has been classified as a Variant of Uncertain Significance.